The following is an entry in ClinVar:

ClinVar aggregate classification (germline): Uncertain significance (1 of 4 stars; one submission).

Submission:

GeneDx
Classification: Uncertain significance. Last evaluated: 2019-05-10. Review status: criteria provided, single submitter. Criteria: GeneDx Variant Classification Process June 2021. Collection method: clinical testing. Allele origin: germline. Affected: yes.
Comment: In silico analysis, which includes protein predictors and evolutionary conservation, supports a deleterious effect; Has not been previously published as pathogenic or benign to our knowledge; Not observed in large population cohorts (Lek et al., 2016)

NM_022726.4(ELOVL4):c.473A>G (p.His158Arg)

Gene: ELOVL4 (ELOVL fatty acid elongase 4; minus strand). Cytogenetic location: 6q14.1.
Variant type: single nucleotide variant.
Coding change: c.473A>G on transcript NM_022726.4 (MANE Select); coding-DNA position 473, A replaced by G.
Protein change: p.His158Arg; replaces histidine 158 with arginine.
Molecular consequence: missense variant.
Genome position (GRCh38, 1-based): chr6:79,921,693, T>C on the plus strand (A>G on the coding strand, the complement: ELOVL4 is on the minus strand). VCF-style: chr6-79921693-T-C. GRCh37 (hg19) VCF-style: chr6-80631410-T-C.
Other names: short protein forms H158R.
Identifiers: ClinVar variation 1305338 (VCV001305338.2), dbSNP rs781360903, ClinGen allele CA364656584.